The following is an entry in ClinVar:

NM_002439.5(MSH3):c.2401C>G (p.Leu801Val)

Gene: MSH3 (mutS homolog 3; plus strand). Cytogenetic location: 5q14.1.
Variant type: single nucleotide variant.
Coding change: c.2401C>G on transcript NM_002439.5 (MANE Select); coding-DNA position 2401, C replaced by G.
Protein change: p.Leu801Val; replaces leucine 801 with valine.
Molecular consequence: missense variant.
Genome position (GRCh38, 1-based): chr5:80,778,802, C>G. VCF-style: chr5-80778802-C-G. GRCh37 (hg19) VCF-style: chr5-80074621-C-G.
Other names: short protein forms L801V.
Identifiers: ClinVar variation 934696 (VCV000934696.12), dbSNP rs917488076, ClinGen allele CA360281866.

ClinVar aggregate classification (germline): Uncertain significance. Review status: criteria provided, multiple submitters, no conflicts (2 of 4 stars). 2 submissions from 2 submitters: Uncertain significance (2). Last evaluated 2025-06-10.

Conditions:
Hereditary cancer-predisposing syndrome. Also called: Neoplastic Syndromes, Hereditary; Hereditary Cancer Syndrome; Hereditary neoplastic syndrome; Tumor predisposition. Identifiers: Orphanet 140162, MedGen C0027672, MeSH D009386, MONDO:0015356.

gnomAD v4.1: 3 of 1,606,588 alleles (0.00019%); highest among the groups gnomAD compares: Non-Finnish European, 0.00026%; no homozygotes.

Submissions (2):

Labcorp Genetics (formerly Invitae), Labcorp
Classification: Uncertain significance. Last evaluated: 2025-06-10. Review status: criteria provided, single submitter. Criteria: Invitae Variant Classification Sherloc (09022015). Collection method: clinical testing. Allele origin: germline.
Comment: This sequence change replaces leucine, which is neutral and non-polar, with valine, which is neutral and non-polar, at codon 801 of the MSH3 protein (p.Leu801Val). This variant is not present in population databases (gnomAD no frequency). This variant has not been reported in the literature in individuals affected with MSH3-related conditions. ClinVar contains an entry for this variant (Variation ID: 934696). An algorithm developed to predict the effect of missense changes on protein structure and function (PolyPhen-2) suggests that this variant is likely to be tolerated. In summary, the available evidence is currently insufficient to determine the role of this variant in disease. Therefore, it has been classified as a Variant of Uncertain Significance.

Ambry Genetics
Classification: Uncertain significance for Hereditary cancer-predisposing syndrome. Last evaluated: 2023-10-10. Review status: criteria provided, single submitter. Criteria: Ambry Variant Classification Scheme 2023. Collection method: clinical testing. Allele origin: germline.
Comment: The p.L801V variant (also known as c.2401C>G), located in coding exon 17 of the MSH3 gene, results from a C to G substitution at nucleotide position 2401. The leucine at codon 801 is replaced by valine, an amino acid with highly similar properties. This amino acid position is highly conserved in available vertebrate species. In addition, the in silico prediction for this alteration is inconclusive. Since supporting evidence is limited at this time, the clinical significance of this alteration remains unclear.